The following is an entry in ClinVar:

NM_001130965.3(SUN1):c.1298T>G (p.Val433Gly)

Gene: SUN1 (Sad1 and UNC84 domain containing 1; plus strand). Cytogenetic location: 7p22.3.
Variant type: single nucleotide variant.
Coding change: c.1298T>G on transcript NM_001130965.3 (MANE Select); coding-DNA position 1298, T replaced by G.
Protein change: p.Val433Gly; replaces valine 433 with glycine.
Molecular consequence: missense variant. On other transcripts: non-coding transcript variant (3).
Genome position (GRCh38, 1-based): chr7:854,954, T>G. VCF-style: chr7-854954-T-G. GRCh37 (hg19) VCF-style: chr7-894591-T-G.
Other names: c.989T>G, p.Val330Gly (NM_001171944.2); c.1298T>G, p.Val433Gly (NM_001367633.1, NM_001367634.1, NM_001367653.1); c.947T>G, p.Val316Gly (NM_001367635.1); c.1538T>G, p.Val513Gly (NM_001367636.1, NM_001367691.1); c.1406T>G, p.Val469Gly (NM_001367638.1); c.839T>G, p.Val280Gly (NM_001367639.1); c.1478T>G, p.Val493Gly (NM_001367640.1); c.1580T>G, p.Val527Gly (NM_001367641.1, NM_001367682.1); and 43 more; short protein forms V244G, V372G, V387G, V419G, V422G, V448G, V449G, V459G.
Identifiers: ClinVar variation 2487517 (VCV002487517.3), dbSNP rs766358224, ClinGen allele CA4112153.

ClinVar aggregate classification (germline): Uncertain significance. Review status: criteria provided, multiple submitters, no conflicts (2 of 4 stars). 2 submissions from 2 submitters: Uncertain significance (2). Last evaluated 2025-09-03.

Conditions:
Emery-Dreifuss muscular dystrophy (EDMD). Also called: Scapuloperoneal syndrome, X-linked (formerly); Humeroperoneal neuromuscular disease, (formerly). Identifiers: Orphanet 261, MedGen C0410189, MONDO:0016830.

Allele frequency attached by ClinVar (database versions not stated): gnomAD exomes 0.00001; TOPMed 0.00001; ExAC 0.00003.
gnomAD v4.1: 15 of 1,613,918 alleles (0.00093%); highest among the groups gnomAD compares: Admixed American, 0.017%; no homozygotes.

Submissions (2):

Labcorp Genetics (formerly Invitae), Labcorp
Classification: Uncertain significance for Emery-Dreifuss muscular dystrophy. Last evaluated: 2025-09-03. Review status: criteria provided, single submitter. Criteria: Invitae Variant Classification Sherloc (09022015). Collection method: clinical testing. Allele origin: germline.
Comment: This sequence change replaces valine, which is neutral and non-polar, with glycine, which is neutral and non-polar, at codon 433 of the SUN1 protein (p.Val433Gly). This variant is present in population databases (rs766358224, gnomAD 0.03%). This variant has not been reported in the literature in individuals affected with SUN1-related conditions. ClinVar contains an entry for this variant (Variation ID: 2487517). An algorithm developed to predict the effect of missense changes on protein structure and function (PolyPhen-2) suggests that this variant is likely to be tolerated. In summary, the available evidence is currently insufficient to determine the role of this variant in disease. Therefore, it has been classified as a Variant of Uncertain Significance.

Ambry Genetics
Classification: Uncertain significance. Last evaluated: 2023-02-22. Review status: criteria provided, single submitter. Criteria: Ambry Variant Classification Scheme 2023. Collection method: clinical testing. Allele origin: germline.